The following is an entry in ClinVar:

ClinVar aggregate classification (germline): Uncertain significance. Review status: criteria provided, multiple submitters, no conflicts (2 of 4 stars). 2 submissions from 2 submitters: Uncertain significance (2). Last evaluated 2025-02-03.

Conditions:
Tietz syndrome (TADS). Also called: ALBINISM-DEAFNESS OF TIETZ; HYPOPIGMENTATION/DEAFNESS OF TIETZ; TIETZ ALBINISM-DEAFNESS SYNDROME. Identifiers: Orphanet 42665, MedGen C0391816, MONDO:0007077, OMIM 103500.
Waardenburg syndrome type 2A (WS2A). Also called: WAARDENBURG SYNDROME WITHOUT DYSTOPIA CANTHORUM. Identifiers: Orphanet 3440, MedGen C1860339, MONDO:0008671, OMIM 193510.
Melanoma, cutaneous malignant, susceptibility to, 8. Also called: MELANOMA AND RENAL CELL CARCINOMA, SUSCEPTIBILITY TO; Cutaneous malignant melanoma 8. Identifiers: Orphanet 293822, MedGen C3152204, MONDO:0013759, OMIM 614456.
Hereditary cancer-predisposing syndrome. Also called: Tumor predisposition; Hereditary Cancer Syndrome; Hereditary neoplastic syndrome; Neoplastic Syndromes, Hereditary. Identifiers: Orphanet 140162, MedGen C0027672, MeSH D009386, MONDO:0015356.

Allele frequency attached by ClinVar (database versions not stated): gnomAD 0.00001; TOPMed 0.00001.
gnomAD v4.1: 1 of 1,613,884 alleles (0.000062%); highest among the groups gnomAD compares: African/African-American, 0.0013%; no homozygotes.

Submissions (2):

Ambry Genetics
Classification: Uncertain significance for Hereditary cancer-predisposing syndrome. Last evaluated: 2025-02-03. Review status: criteria provided, single submitter. Criteria: Ambry Variant Classification Scheme 2023. Collection method: clinical testing. Allele origin: germline.
Comment: The p.C113R variant (also known as c.337T>C), located in coding exon 3 of the MITF gene, results from a T to C substitution at nucleotide position 337. The cysteine at codon 113 is replaced by arginine, an amino acid with highly dissimilar properties. This amino acid position is conserved. In addition, the in silico prediction for this alteration is inconclusive. Based on the available evidence, the clinical significance of this variant remains unclear.

Labcorp Genetics (formerly Invitae), Labcorp
Classification: Uncertain significance for Melanoma, cutaneous malignant, susceptibility to, 8; Waardenburg syndrome type 2A; Tietz syndrome. Last evaluated: 2024-12-22. Review status: criteria provided, single submitter. Criteria: Invitae Variant Classification Sherloc (09022015). Collection method: clinical testing. Allele origin: germline.
Comment: This sequence change replaces cysteine, which is neutral and slightly polar, with arginine, which is basic and polar, at codon 113 of the MITF protein (p.Cys113Arg). This variant is not present in population databases (gnomAD no frequency). This variant has not been reported in the literature in individuals affected with MITF-related conditions. ClinVar contains an entry for this variant (Variation ID: 2939777). An algorithm developed to predict the effect of missense changes on protein structure and function (PolyPhen-2) suggests that this variant is likely to be disruptive. In summary, the available evidence is currently insufficient to determine the role of this variant in disease. Therefore, it has been classified as a Variant of Uncertain Significance.

NM_001354604.2(MITF):c.658T>C (p.Cys220Arg)

Gene: MITF (melanocyte inducing transcription factor; plus strand). Cytogenetic location: 3p13.
Variant type: single nucleotide variant.
Coding change: c.658T>C on transcript NM_001354604.2 (MANE Select); coding-DNA position 658, T replaced by C.
Protein change: p.Cys220Arg; replaces cysteine 220 with arginine.
Molecular consequence: missense variant.
Genome position (GRCh38, 1-based): chr3:69,939,173, T>C. VCF-style: chr3-69939173-T-C. GRCh37 (hg19) VCF-style: chr3-69988324-T-C.
Other names: c.337T>C, p.Cys113Arg (NM_000248.4, NM_198158.3); c.502T>C, p.Cys168Arg (NM_001184967.2, NM_001354608.2); c.655T>C, p.Cys219Arg (NM_001354605.2, NM_001354606.2, NM_006722.3); c.607T>C, p.Cys203Arg (NM_001354607.2); c.658T>C, p.Cys220Arg (NM_198159.3); c.610T>C, p.Cys204Arg (NM_198177.3); c.169T>C, p.Cys57Arg (NM_198178.3); short protein forms C168R, C219R, C57R, C203R, C204R, C113R, C220R.
Identifiers: ClinVar variation 2939777 (VCV002939777.4), dbSNP rs950041788, ClinGen allele CA77000674.